The following is an entry in ClinVar:

ClinVar aggregate classification (germline): Uncertain significance (1 of 4 stars; one submission).

Allele frequency attached by ClinVar (database versions not stated): 1000 Genomes Project 0.00020; 1000 Genomes Project 30x 0.00031; ESP Exome Variant Server 0.00054.
gnomAD v4.1: 1,520 of 1,614,202 alleles (0.094%); highest among the groups gnomAD compares: Non-Finnish European, 0.12%; no homozygotes.

Submission:

Labcorp Genetics (formerly Invitae), Labcorp
Classification: Uncertain significance. Last evaluated: 2025-10-01. Review status: criteria provided, single submitter. Criteria: Invitae Variant Classification Sherloc (09022015). Collection method: clinical testing. Allele origin: germline.
Comment: This sequence change replaces arginine, which is basic and polar, with histidine, which is basic and polar, at codon 617 of the MYH7B protein (p.Arg617His). This variant is present in population databases (rs146138949, gnomAD 0.08%), and has an allele count higher than expected for a pathogenic variant. This variant has not been reported in the literature in individuals affected with MYH7B-related conditions. ClinVar contains an entry for this variant (Variation ID: 1508438). Invitae Evidence Modeling of protein sequence and biophysical properties (such as structural, functional, and spatial information, amino acid conservation, physicochemical variation, residue mobility, and thermodynamic stability) indicates that this missense variant is not expected to disrupt MYH7B protein function with a negative predictive value of 80%. In summary, the available evidence is currently insufficient to determine the role of this variant in disease. Therefore, it has been classified as a Variant of Uncertain Significance.

NM_020884.7(MYH7B):c.1724G>A (p.Arg575His)

Gene: MYH7B (myosin heavy chain 7B; plus strand). Cytogenetic location: 20q11.22.
Variant type: single nucleotide variant.
Coding change: c.1724G>A on transcript NM_020884.7 (MANE Select); coding-DNA position 1724, G replaced by A.
Protein change: p.Arg575His; replaces arginine 575 with histidine.
Molecular consequence: missense variant.
Genome position (GRCh38, 1-based): chr20:34,989,876, G>A. VCF-style: chr20-34989876-G-A. GRCh37 (hg19) VCF-style: chr20-33577679-G-A.
Other names: short protein forms R575H.
Identifiers: ClinVar variation 1508438 (VCV001508438.6), dbSNP rs146138949, ClinGen allele CA9827041.